The following is an entry in ClinVar:

ClinVar aggregate classification (germline): Uncertain significance (1 of 4 stars; one submission).

Conditions:
Ataxia-telangiectasia syndrome (AT). Also called: LOUIS-BAR SYNDROME; ATAXIA-TELANGIECTASIA, COMPLEMENTATION GROUP A; ATAXIA-TELANGIECTASIA, FRESNO VARIANT; Ataxia-telangiectasia, complementation group D; AT, COMPLEMENTATION GROUP C; Ataxia-telangiectasia. Identifiers: Orphanet 100, MedGen C0004135, MONDO:0008840, OMIM 208900.

Submission:

Labcorp Genetics (formerly Invitae), Labcorp
Classification: Uncertain significance for Ataxia-telangiectasia syndrome. Last evaluated: 2024-11-26. Review status: criteria provided, single submitter. Criteria: Invitae Variant Classification Sherloc (09022015). Collection method: clinical testing. Allele origin: germline.
Comment: This sequence change replaces isoleucine, which is neutral and non-polar, with arginine, which is basic and polar, at codon 1422 of the ATM protein (p.Ile1422Arg). This variant is not present in population databases (gnomAD no frequency). This variant has not been reported in the literature in individuals affected with ATM-related conditions. Invitae Evidence Modeling of protein sequence and biophysical properties (such as structural, functional, and spatial information, amino acid conservation, physicochemical variation, residue mobility, and thermodynamic stability) has been performed for this missense variant. However, the output from this modeling did not meet the statistical confidence thresholds required to predict the impact of this variant on ATM protein function. In summary, the available evidence is currently insufficient to determine the role of this variant in disease. Therefore, it has been classified as a Variant of Uncertain Significance.

NM_000051.4(ATM):c.4265T>G (p.Ile1422Arg)

Gene: ATM (ATM serine/threonine kinase; plus strand). Cytogenetic location: 11q22.3.
Variant type: single nucleotide variant.
Coding change: c.4265T>G on transcript NM_000051.4 (MANE Select); coding-DNA position 4265, T replaced by G.
Protein change: p.Ile1422Arg; replaces isoleucine 1422 with arginine.
Molecular consequence: missense variant.
Genome position (GRCh38, 1-based): chr11:108,289,630, T>G. VCF-style: chr11-108289630-T-G. GRCh37 (hg19) VCF-style: chr11-108160357-T-G.
Other names: c.4265T>G, p.Ile1422Arg (NM_001351834.2); short protein forms I1422R.
Identifiers: ClinVar variation 3676328 (VCV003676328.2).